The following is an entry in ClinVar:

ClinVar aggregate classification (germline): Likely benign (0 of 4 stars; one submission).

Conditions:
SELENBP1-related disorder. Also called: SELENBP1-related condition.

Allele frequency attached by ClinVar (database versions not stated): ExAC 0.00006; TOPMed 0.00006; gnomAD 0.00007; ESP Exome Variant Server 0.00008.
gnomAD v4.1: 113 of 1,613,836 alleles (0.007%); highest among the groups gnomAD compares: Middle Eastern, 0.12%; no homozygotes.

Submission:

PreventionGenetics, part of Exact Sciences
Classification: Likely benign for SELENBP1-related condition. Last evaluated: 2019-05-03. Review status: no assertion criteria provided. Collection method: clinical testing. Allele origin: germline.
Comment: This variant is classified as likely benign based on ACMG/AMP sequence variant interpretation guidelines (Richards et al. 2015 PMID: 25741868, with internal and published modifications).

NM_003944.4(SELENBP1):c.1209G>A (p.Thr403=)

Gene: SELENBP1 (selenium binding protein 1; minus strand). Cytogenetic location: 1q21.3.
Variant type: single nucleotide variant.
Coding change: c.1209G>A on transcript NM_003944.4 (MANE Select); coding-DNA position 1209, G replaced by A.
Protein change: p.Thr403=; no amino-acid change (threonine 403 retained).
Molecular consequence: synonymous variant.
Genome position (GRCh38, 1-based): chr1:151,364,973, C>T on the plus strand (G>A on the coding strand, the complement: SELENBP1 is on the minus strand). VCF-style: chr1-151364973-C-T. GRCh37 (hg19) VCF-style: chr1-151337449-C-T.
Other names: c.1023G>A, p.Thr341= (NM_001258288.2); c.1335G>A, p.Thr445= (NM_001258289.2).
Identifiers: ClinVar variation 3037147 (VCV003037147.2), dbSNP rs368030000, ClinGen allele CA1090044.